The following is an entry in ClinVar:

NM_001382567.1(STIM1):c.1994G>A (p.Arg665Gln)

Genes: STIM1 (stromal interaction molecule 1; plus strand), LOC124418421 (Sharpr-MPRA regulatory region 9588; plus strand). Cytogenetic location: 11p15.4.
Variant type: single nucleotide variant.
Coding change: c.1994G>A on transcript NM_001382567.1 (MANE Select); coding-DNA position 1994, G replaced by A.
Protein change: p.Arg665Gln; replaces arginine 665 with glutamine.
Molecular consequence: missense variant. On other transcripts: 3 prime UTR variant (4), non-coding transcript variant (3).
Genome position (GRCh38, 1-based): chr11:4,091,641, G>A. VCF-style: chr11-4091641-G-A. GRCh37 (hg19) VCF-style: chr11-4112871-G-A.
Other names: c.2219G>A, p.Arg740Gln (NM_001277961.3); c.*315G>A (NM_001277962.2, NM_001382578.1, NM_001382579.1 and 1 more transcripts); c.1997G>A, p.Arg666Gln (NM_001382566.1); c.1922G>A, p.Arg641Gln (NM_001382568.1); c.1766G>A, p.Arg589Gln (NM_001382569.1); c.1673G>A, p.Arg558Gln (NM_001382570.1); c.1421G>A, p.Arg474Gln (NM_001382571.1); c.1679G>A, p.Arg560Gln (NM_001382575.1, NM_001382576.1, NM_001382577.1); and 2 more; short protein forms R634Q, R740Q, R471Q, R474Q, R558Q, R560Q, R589Q, R641Q.
Identifiers: ClinVar variation 838190 (VCV000838190.11), dbSNP rs200632934, ClinGen allele CA5830648.

ClinVar aggregate classification (germline): Uncertain significance. Review status: criteria provided, multiple submitters, no conflicts (2 of 4 stars). 3 submissions from 3 submitters: Uncertain significance (3). Last evaluated 2025-11-20.

Conditions:
Combined immunodeficiency due to STIM1 deficiency. Also called: STIM1 DEFICIENCY; IMMUNODEFICIENCY 10. Identifiers: Orphanet 169090, Orphanet 317430, MedGen C2748557, MONDO:0013008, OMIM 612783.
Stormorken syndrome (STRMK). Also called: THROMBOCYTOPATHY, ASPLENIA, AND MIOSIS. Identifiers: Orphanet 3204, MedGen C1861451, MONDO:0008497, OMIM 185070.
Myopathy with tubular aggregates (TAM). Also called: Tubular Aggregate Myopathy. Identifiers: Orphanet 2593, MedGen C0410207, MONDO:0008051.
Inborn genetic diseases. Identifiers: MedGen C0950123, MeSH D030342.

Allele frequency attached by ClinVar (database versions not stated): gnomAD 0.00007 and 0.00009; gnomAD exomes 0.00002 and 0.00003; ExAC 0.00003; TOPMed 0.00005.
gnomAD v4.1: 44 of 1,614,076 alleles (0.0027%); highest among the groups gnomAD compares: African/African-American, 0.011%; no homozygotes.

Submissions (3):

Ambry Genetics
Classification: Uncertain significance for Inborn genetic diseases. Last evaluated: 2025-11-20. Review status: criteria provided, single submitter. Criteria: Ambry Variant Classification Scheme 2023. Collection method: clinical testing. Allele origin: germline.

Labcorp Genetics (formerly Invitae), Labcorp
Classification: Uncertain significance for Myopathy with tubular aggregates; Combined immunodeficiency due to STIM1 deficiency; Stormorken syndrome. Last evaluated: 2025-05-07. Review status: criteria provided, single submitter. Criteria: Invitae Variant Classification Sherloc (09022015). Collection method: clinical testing. Allele origin: germline.
Comment: This sequence change replaces arginine, which is basic and polar, with glutamine, which is neutral and polar, at codon 634 of the STIM1 protein (p.Arg634Gln). This variant is present in population databases (rs200632934, gnomAD 0.01%). This variant has not been reported in the literature in individuals affected with STIM1-related conditions. ClinVar contains an entry for this variant (Variation ID: 838190). Invitae Evidence Modeling of protein sequence and biophysical properties (such as structural, functional, and spatial information, amino acid conservation, physicochemical variation, residue mobility, and thermodynamic stability) has been performed for this missense variant. However, the output from this modeling did not meet the statistical confidence thresholds required to predict the impact of this variant on STIM1 protein function. In summary, the available evidence is currently insufficient to determine the role of this variant in disease. Therefore, it has been classified as a Variant of Uncertain Significance.

Revvity Omics, Revvity
Classification: Uncertain significance. Last evaluated: 2023-03-15. Review status: criteria provided, single submitter. Criteria: ACMG Guidelines, 2015. Collection method: clinical testing. Allele origin: germline.